The following is an entry in ClinVar:

NM_004467.4(FGL1):c.340A>G (p.Met114Val)

Gene: FGL1 (fibrinogen like 1; minus strand). Cytogenetic location: 8p22.
Variant type: single nucleotide variant.
Coding change: c.340A>G on transcript NM_004467.4 (MANE Select); coding-DNA position 340, A replaced by G.
Protein change: p.Met114Val; replaces methionine 114 with valine.
Molecular consequence: missense variant.
Genome position (GRCh38, 1-based): chr8:17,874,426, T>C on the plus strand (A>G on the coding strand, the complement: FGL1 is on the minus strand). VCF-style: chr8-17874426-T-C. GRCh37 (hg19) VCF-style: chr8-17731935-T-C.
Other names: c.340A>G, p.Met114Val (NM_147203.2, NM_201552.1, NM_201553.1); short protein forms M114V.
Identifiers: ClinVar variation 3387917 (VCV003387917.14).

ClinVar aggregate classification (germline): Benign (1 of 4 stars; one submission).

Submission:

CeGaT Center for Human Genetics Tuebingen
Classification: Benign. Last evaluated: 2024-09-01. Review status: criteria provided, single submitter. Criteria: CeGaT Center For Human Genetics Tuebingen Variant Classification Criteria Version 2. Collection method: clinical testing. Allele origin: germline. Affected: yes. Observed: 1 variant allele.
Comment: FGL1: BS1, BS2